The following is an entry in ClinVar:

NM_014946.4(SPAST):c.166_175del (p.Tyr55_Pro56insTer)

Gene: SPAST (spastin; plus strand). Cytogenetic location: 2p22.3.
Variant type: Deletion.
Coding change: c.166_175del on transcript NM_014946.4 (MANE Select); coding-DNA positions 166 to 175, 10 bases deleted (CCGCTGTTTG; older notation c.166_175delCCGCTGTTTG).
Protein change: p.Tyr55_Pro56insTer.
Molecular consequence: nonsense.
Genome position (GRCh38, 1-based): chr2:32,063,997-32,064,006, CCGCTGTTTG deleted. VCF-style (leftmost placement, unchanged base first): chr2-32063996-CCCGCTGTTTG-C. GRCh37 (hg19) VCF-style: chr2-32289065-CCCGCTGTTTG-C.
Other names: p.Pro56*; c.166_175delCCGCTGTTTG (NM_014946.3); c.166_175del, p.Tyr55_Pro56insTer (NM_001363823.2, NM_001363875.2, NM_001377959.1 and 1 more transcripts); c.166_175del (NM_014946.3).
Identifiers: ClinVar variation 536450 (VCV000536450.11), dbSNP rs1553394509, ClinGen allele CA658795705.

ClinVar aggregate classification (germline): Pathogenic/Likely pathogenic. Review status: criteria provided, multiple submitters, no conflicts (2 of 4 stars). 3 submissions from 3 submitters: Pathogenic (2); Likely pathogenic (1). Last evaluated 2025-11-09.

Conditions:
Hereditary spastic paraplegia 4. Also called: Spastic Paraplegia 4; Familial spastic paraplegia autosomal dominant 2; Spastic paraplegia 4, autosomal dominant. Identifiers: Orphanet 100985, MedGen C1866855, MONDO:0008438, OMIM 182601.

Allele frequency attached by ClinVar (database versions not stated): gnomAD exomes below 0.00001.

Submissions (3):

Labcorp Genetics (formerly Invitae), Labcorp
Classification: Pathogenic for Hereditary spastic paraplegia 4. Last evaluated: 2025-11-09. Review status: criteria provided, single submitter. Criteria: Invitae Variant Classification Sherloc (09022015). Collection method: clinical testing. Allele origin: germline.
Comment: This sequence change creates a premature translational stop signal (p.Pro56*) in the SPAST gene. It is expected to result in an absent or disrupted protein product. Loss-of-function variants in SPAST are known to be pathogenic (PMID: 20932283). This variant is not present in population databases (gnomAD no frequency). This premature translational stop signal has been observed in individuals with hereditary spastic paraplegia (internal data). Invitae Evidence Modeling of clinical and family history, age, sex, and reported ancestry of multiple individuals with this SPAST variant has been performed. This variant is expected to be pathogenic with a positive predictive value of at least 99%. This is a validated machine learning model that incorporates the clinical features of 4,195 individuals referred to our laboratory for SPAST testing. ClinVar contains an entry for this variant (Variation ID: 536450). For these reasons, this variant has been classified as Pathogenic.

Mayo Clinic Laboratories, Mayo Clinic
Classification: Likely pathogenic. Last evaluated: 2025-09-27. Review status: criteria provided, single submitter. Criteria: ACMG Guidelines, 2015. Collection method: clinical testing. Allele origin: germline. Observed: 1 variant allele.
Comment: PM2_supporting, PVS1

Athena Diagnostics
Classification: Pathogenic. Last evaluated: 2023-12-15. Review status: criteria provided, single submitter. Criteria: Athena Diagnostics Criteria. Collection method: clinical testing. Allele origin: unknown.
Comment: This variant is expected to result in the loss of a functional protein. This variant has been identified in at least one individual tested at Athena Diagnostics with clinical features associated with this gene. This variant has not been reported in large, multi-ethnic general populations.

Literature cited by the submitters: PubMed 20932283 (cited by Labcorp Genetics (formerly Invitae), Labcorp).